The following is an entry in ClinVar:

ClinVar aggregate classification (germline): Uncertain significance (1 of 4 stars; one submission).

Submission:

Labcorp Genetics (formerly Invitae), Labcorp
Classification: Uncertain significance. Last evaluated: 2022-04-28. Review status: criteria provided, single submitter. Criteria: Invitae Variant Classification Sherloc (09022015). Collection method: clinical testing. Allele origin: germline.
Comment: In summary, the available evidence is currently insufficient to determine the role of this variant in disease. Therefore, it has been classified as a Variant of Uncertain Significance. Experimental studies and prediction algorithms are not available or were not evaluated, and the functional significance of this variant is currently unknown. This variant has not been reported in the literature in individuals affected with PRDM13-related conditions. This variant is not present in population databases (gnomAD no frequency). This sequence change creates a premature translational stop signal (p.Arg647*) in the PRDM13 gene. While this is not anticipated to result in nonsense mediated decay, it is expected to disrupt the last 61 amino acid(s) of the PRDM13 protein.

NM_021620.4(PRDM13):c.1939C>T (p.Arg647Ter)

Gene: PRDM13 (PR/SET domain 13; plus strand). Cytogenetic location: 6q16.2.
Variant type: single nucleotide variant.
Coding change: c.1939C>T on transcript NM_021620.4 (MANE Select); coding-DNA position 1939, C replaced by T.
Protein change: p.Arg647Ter; replaces arginine 647 with a stop codon.
Molecular consequence: nonsense.
Genome position (GRCh38, 1-based): chr6:99,614,574, C>T. VCF-style: chr6-99614574-C-T. GRCh37 (hg19) VCF-style: chr6-100062450-C-T.
Other names: short protein forms R647*.
Identifiers: ClinVar variation 2131206 (VCV002131206.4), dbSNP rs2538547997, ClinGen allele CA365122360.